The following is an entry in ClinVar:

ClinVar aggregate classification (germline): Likely pathogenic. Review status: criteria provided, multiple submitters, no conflicts (2 of 4 stars). 2 submissions from 2 submitters: Likely pathogenic (2). Last evaluated 2026-05-22.

Conditions:
Hereditary cancer-predisposing syndrome. Also called: Neoplastic Syndromes, Hereditary; Tumor predisposition; Hereditary Cancer Syndrome; Hereditary neoplastic syndrome. Identifiers: Orphanet 140162, MedGen C0027672, MeSH D009386, MONDO:0015356.
Familial cancer of breast. Also called: BREAST CANCER, FAMILIAL; Hereditary breast cancer; hereditary breast carcinoma. Identifiers: Orphanet 227535, MedGen C0346153, MONDO:0016419, OMIM 114480. Disease mechanism: loss of function.

Allele frequency attached by ClinVar (database versions not stated): ExAC 0.00001; gnomAD exomes below 0.00001.
gnomAD v4.1: 1 of 1,607,188 alleles (0.000062%); highest among the groups gnomAD compares: Admixed American, 0.0017%; no homozygotes.

Submissions (2):

Ambry Genetics
Classification: Likely pathogenic for Hereditary cancer-predisposing syndrome. Last evaluated: 2026-05-22. Review status: criteria provided, single submitter. Criteria: Ambry Variant Classification Scheme 2023. Collection method: clinical testing. Allele origin: germline.
Comment: The c.1141-2A>G intronic variant results from an A to G substitution two nucleotides upstream from coding exon 8 in the BRIP1 gene. This nucleotide position is highly conserved in available vertebrate species. In silico splice site analysis predicts that this alteration will weaken the native splice acceptor site and will result in the creation or strengthening of a novel splice acceptor site; however direct evidence is insufficient at this time (Ambry internal data). Alterations that disrupt the canonical splice site are expected to cause aberrant splicing, resulting in an abnormal protein or a transcript that is subject to nonsense-mediated mRNA decay. As such, this alteration is classified as likely pathogenic.

Myriad Genetics, Inc.
Classification: Likely pathogenic for Familial cancer of breast. Last evaluated: 2023-06-01. Review status: criteria provided, single submitter. Criteria: Myriad Autosomal Dominant, Autosomal Recessive and X-Linked Classification Criteria (2023). Collection method: clinical testing. Allele origin: unknown.
Comment: This variant is considered likely pathogenic. This variant occurs within a consensus splice junction and is predicted to result in abnormal mRNA splicing of either an out-of-frame exon or an in-frame exon necessary for protein stability and/or normal function.

NM_032043.3(BRIP1):c.1141-2A>G

Gene: BRIP1 (BRCA1 interacting DNA helicase 1; minus strand). Cytogenetic location: 17q23.2.
Variant type: single nucleotide variant.
Coding change: c.1141-2A>G on transcript NM_032043.3 (MANE Select); the canonical splice acceptor site of the intron before coding-DNA position 1141, A replaced by G.
Molecular consequence: splice acceptor variant.
Genome position (GRCh38, 1-based): chr17:61,799,301, T>C on the plus strand (A>G on the coding strand, the complement: BRIP1 is on the minus strand). VCF-style: chr17-61799301-T-C. GRCh37 (hg19) VCF-style: chr17-59876662-T-C.
Identifiers: ClinVar variation 1731310 (VCV001731310.5), dbSNP rs769583916, ClinGen allele CA8690781.